The following is an entry in ClinVar:

NM_138477.4(CDAN1):c.2332G>A (p.Val778Ile)

Gene: CDAN1 (codanin 1; minus strand). Cytogenetic location: 15q15.2.
Variant type: single nucleotide variant.
Coding change: c.2332G>A on transcript NM_138477.4 (MANE Select); coding-DNA position 2332, G replaced by A.
Protein change: p.Val778Ile; replaces valine 778 with isoleucine.
Molecular consequence: missense variant.
Genome position (GRCh38, 1-based): chr15:42,729,816, C>T on the plus strand (G>A on the coding strand, the complement: CDAN1 is on the minus strand). VCF-style: chr15-42729816-C-T. GRCh37 (hg19) VCF-style: chr15-43022014-C-T.
Other names: short protein forms V778I.
Identifiers: ClinVar variation 1930172 (VCV001930172.2), dbSNP rs770177788, ClinGen allele CA7515717.

ClinVar aggregate classification (germline): Uncertain significance (1 of 4 stars; one submission).

Allele frequency attached by ClinVar (database versions not stated): ExAC 0.00001; TOPMed 0.00002; gnomAD 0.00003; gnomAD exomes 0.00004.
gnomAD v4.1: 62 of 1,613,722 alleles (0.0038%); highest among the groups gnomAD compares: Non-Finnish European, 0.0047%; no homozygotes.

Submission:

Labcorp Genetics (formerly Invitae), Labcorp
Classification: Uncertain significance. Last evaluated: 2022-03-12. Review status: criteria provided, single submitter. Criteria: Invitae Variant Classification Sherloc (09022015). Collection method: clinical testing. Allele origin: germline.
Comment: This sequence change replaces valine, which is neutral and non-polar, with isoleucine, which is neutral and non-polar, at codon 778 of the CDAN1 protein (p.Val778Ile). This variant is present in population databases (rs770177788, gnomAD 0.004%). This variant has not been reported in the literature in individuals affected with CDAN1-related conditions. Algorithms developed to predict the effect of missense changes on protein structure and function (SIFT, PolyPhen-2, Align-GVGD) all suggest that this variant is likely to be tolerated. In summary, the available evidence is currently insufficient to determine the role of this variant in disease. Therefore, it has been classified as a Variant of Uncertain Significance.